The following is an entry in ClinVar:

ClinVar aggregate classification (germline): Pathogenic (1 of 4 stars; one submission).

Submission:

Labcorp Genetics (formerly Invitae), Labcorp
Classification: Pathogenic. Last evaluated: 2023-12-28. Review status: criteria provided, single submitter. Criteria: Invitae Variant Classification Sherloc (09022015). Collection method: clinical testing. Allele origin: unknown.
Comment: This variant results in the deletion of exons 1-3 and part of exon 4 (c.-1890_580delinsGTAGCCC) of the GCM2 gene. It is expected to result in an absent or disrupted protein product. Loss-of-function variants in GCM2 are known to be pathogenic (PMID: 20190276, 23155703). A similar copy number variant has been observed in individual(s) with clinical features of autosomal recessive hypoparathyroidism (PMID: 11602629). For these reasons, this variant has been classified as Pathogenic.

Literature cited by the submitters: PubMed 20190276; PubMed 23155703; PubMed 11602629.

NC_000006.11:g.(?_10876126)_(10883916_?)del

Gene: GCM2 (glial cells missing transcription factor 2; minus strand). Cytogenetic location: 6p24.2.
Variant type: Deletion.
Identifiers: ClinVar variation 3246185 (VCV003246185.1).